The following is an entry in ClinVar:

ClinVar aggregate classification (germline): Conflicting classifications of pathogenicity. Review status: criteria provided, conflicting classifications (1 of 4 stars). 3 submissions from 3 submitters: Uncertain significance (1); Likely benign (1). 1 of the submissions does not count toward it. Last evaluated 2026-01-24.

Conditions:
Peroxisome biogenesis disorder 2B (PBD2B). Identifiers: Orphanet 44, MedGen C3550234, MONDO:0008736, OMIM 202370.
Peroxisome biogenesis disorder 2A (Zellweger) (PBD2A). Also called: Cerebrohepatorenal syndrome, variant types. Identifiers: Orphanet 912, MedGen C3550273, MONDO:0008954, OMIM 214110.
PEX5-related disorder. Also called: PEX5-related condition; PEX5-Related Disorders.

Allele frequency attached by ClinVar (database versions not stated): gnomAD exomes 0.00001; TOPMed 0.00002.
gnomAD v4.1: 20 of 1,613,968 alleles (0.0012%); highest among the groups gnomAD compares: Non-Finnish European, 0.0014%; no homozygotes.

Submissions (3):

Labcorp Genetics (formerly Invitae), Labcorp
Classification: Likely benign for Peroxisome biogenesis disorder 2B. Last evaluated: 2026-01-24. Review status: criteria provided, single submitter. Criteria: Invitae Variant Classification Sherloc (09022015). Collection method: clinical testing. Allele origin: germline.

Illumina Laboratory Services, Illumina
Classification: Uncertain significance for Peroxisome biogenesis disorder 2A (Zellweger). Last evaluated: 2018-01-13. Review status: criteria provided, single submitter. Criteria: ICSL Variant Classification Criteria 13 December 2019. Collection method: clinical testing. Allele origin: germline.

PreventionGenetics, part of Exact Sciences
Classification: Likely benign for PEX5-related condition. Last evaluated: 2023-04-05. Review status: no assertion criteria provided. Collection method: clinical testing. Allele origin: germline. Not counted in ClinVar's aggregate classification.
Comment: This variant is classified as likely benign based on ACMG/AMP sequence variant interpretation guidelines (Richards et al. 2015 PMID: 25741868, with internal and published modifications).

NM_001351132.2(PEX5):c.643-5C>T

Gene: PEX5 (peroxisomal biogenesis factor 5; plus strand). Cytogenetic location: 12p13.31.
Variant type: single nucleotide variant.
Coding change: c.643-5C>T on transcript NM_001351132.2 (MANE Select); 5 bases into the intron before coding-DNA position 643, C replaced by T.
Molecular consequence: intron variant.
Genome position (GRCh38, 1-based): chr12:7,202,236, C>T. VCF-style: chr12-7202236-C-T. GRCh37 (hg19) VCF-style: chr12-7354832-C-T.
Other names: c.643-376C>T (NM_001351124.3, NM_001351126.2, NM_001374646.1 and 10 more transcripts); c.643-5C>T (NM_001131026.2, NM_001351131.2, NM_001374647.2 and 6 more transcripts); c.688-376C>T (NM_001351135.3, NM_001351138.2); c.688-5C>T (NM_001131023.2).
Identifiers: ClinVar variation 310421 (VCV000310421.14), dbSNP rs886049826, ClinGen allele CA10643304.
Genomic context (GRCh38, chr12:7,202,236, plus strand): 5'-CATGGTTGAGAGTGCACACCTGGAAGTCCTTTCCCAAGTGGCCTGTGTGTGTCTCTGTGC[C>T]CCAGTTCCTGAAATTCGTGCGGCAGATTGGCGAAGGGCAGGTGTCCCTGGAGTCCGGTGC-3'